The following is an entry in ClinVar:

ClinVar aggregate classification (germline): Uncertain significance (1 of 4 stars; one submission).

Conditions:
Developmental and epileptic encephalopathy, 21 (DEE21). Also called: Early infantile epileptic encephalopathy 21. Identifiers: Orphanet 442835, MedGen C4014430, MONDO:0014360, OMIM 615833.

Allele frequency attached by ClinVar (database versions not stated): gnomAD 0.00003; ESP Exome Variant Server 0.00008; TOPMed 0.00005.
gnomAD v4.1: 5 of 1,612,758 alleles (0.00031%); highest among the groups gnomAD compares: African/African-American, 0.0067%; no homozygotes.

Submission:

Labcorp Genetics (formerly Invitae), Labcorp
Classification: Uncertain significance for Developmental and epileptic encephalopathy, 21. Last evaluated: 2022-07-21. Review status: criteria provided, single submitter. Criteria: Invitae Variant Classification Sherloc (09022015). Collection method: clinical testing. Allele origin: germline.
Comment: In summary, the available evidence is currently insufficient to determine the role of this variant in disease. Therefore, it has been classified as a Variant of Uncertain Significance. Algorithms developed to predict the effect of missense changes on protein structure and function are either unavailable or do not agree on the potential impact of this missense change (SIFT: "Deleterious"; PolyPhen-2: "Probably Damaging"; Align-GVGD: "Class C0"). This variant has not been reported in the literature in individuals affected with NECAP1-related conditions. This variant is present in population databases (rs374673959, gnomAD 0.007%). This sequence change replaces serine, which is neutral and polar, with cysteine, which is neutral and slightly polar, at codon 9 of the NECAP1 protein (p.Ser9Cys).

NM_015509.4(NECAP1):c.26C>G (p.Ser9Cys)

Genes: NECAP1 (NECAP endocytosis associated 1; plus strand), LOC126861440 (MED14-independent group 3 enhancer GRCh37_chr12:8234132-8235331; plus strand). Cytogenetic location: 12p13.31.
Variant type: single nucleotide variant.
Coding change: c.26C>G on transcript NM_015509.4 (MANE Select); coding-DNA position 26, C replaced by G.
Protein change: p.Ser9Cys; replaces serine 9 with cysteine.
Molecular consequence: missense variant. On other transcripts: non-coding transcript variant (1).
Genome position (GRCh38, 1-based): chr12:8,082,314, C>G. VCF-style: chr12-8082314-C-G. GRCh37 (hg19) VCF-style: chr12-8234910-C-G.
Other names: short protein forms S9C.
Identifiers: ClinVar variation 2049234 (VCV002049234.4), dbSNP rs374673959, ClinGen allele CA232552044.
Genomic context (GRCh38, chr12:8,082,314, plus strand): 5'-GTTTCGCCCCCGGCAGCGCCGACAGCGGACCCAAGATGGCGACCGAGTTGGAGTACGAGT[C>G]TGTGCTGTGTGTGAAGCCAGACGTCAGCGTCTACCGGATTCCGCCCCGGGCCTCCAACCG-3'
Protein context (NP_056324.2, residues 1-19): MATELEYE[Ser9Cys]VLCVKPDVSV